The following is an entry in ClinVar:

ClinVar aggregate classification (germline): Likely benign. Review status: criteria provided, multiple submitters, no conflicts (2 of 4 stars). 3 submissions from 3 submitters: Likely benign (3). Last evaluated 2025-10-01.

Conditions:
Familial hypobetalipoproteinemia 1. Also called: APOB-Related Familial Hypobetalipoproteinemia; Hypobetalipoproteinemia, normotriglyceridemic; Acanthocytosis with hypobetalipoproteinemia. Identifiers: MedGen C4551990, MONDO:0014252, OMIM 615558.
Hypercholesterolemia, autosomal dominant, type B (FHCL2). Also called: Familial Hypercholesterolemia Type B; APOLIPOPROTEIN B-100, FAMILIAL DEFECTIVE; APOLIPOPROTEIN B-100, FAMILIAL LIGAND-DEFECTIVE; HYPERCHOLESTEROLEMIA, FAMILIAL, DUE TO LIGAND-DEFECTIVE APOLIPOPROTEIN B; APOB-Related Familial Hypercholesterolemia, Autosomal Dominant; Familial hypercholesterolemia 2. Identifiers: MedGen C1704417, MONDO:0007751, OMIM 144010.
Cardiovascular phenotype. Identifiers: MedGen CN230736.
Familial hypercholesterolemia. Also called: Familial hypercholesterolaemia; Familial hypercholesterolemias. Identifiers: MedGen C0020445, MONDO:0005439.

Allele frequency attached by ClinVar (database versions not stated): gnomAD 0.00001; TOPMed 0.00001; ExAC 0.00002; gnomAD exomes 0.00002 and 0.00005.
gnomAD v4.1: 77 of 1,605,088 alleles (0.0048%); highest among the groups gnomAD compares: Non-Finnish European, 0.0059%; no homozygotes.

Submissions (3):

Labcorp Genetics (formerly Invitae), Labcorp
Classification: Likely benign for Familial hypobetalipoproteinemia 1; Hypercholesterolemia, autosomal dominant, type B. Last evaluated: 2025-10-01. Review status: criteria provided, single submitter. Criteria: Invitae Variant Classification Sherloc (09022015). Collection method: clinical testing. Allele origin: germline.

GENinCode PLC
Classification: Likely benign for Familial hypercholesterolemia. Last evaluated: 2025-05-22. Review status: criteria provided, single submitter. Criteria: ACMG Guidelines, 2015. Collection method: clinical testing. Allele origin: germline.
Comment: This is a synonymous (silent) variant that is not predicted to impact splicing and occurs at a nucleotide which is not highly conserved. This variant has been classified as Likely Benign (BP4, BP7).

Ambry Genetics
Classification: Likely benign for Cardiovascular phenotype. Last evaluated: 2017-09-27. Review status: criteria provided, single submitter. Criteria: Ambry Variant Classification Scheme 2023. Collection method: clinical testing. Allele origin: germline.

NM_000384.3(APOB):c.108C>T (p.Ser36=)

Genes: APOB (apolipoprotein B; minus strand), LOC106560211 (APOB 5' regulatory region; plus strand). Cytogenetic location: 2p24.1.
Variant type: single nucleotide variant.
Coding change: c.108C>T on transcript NM_000384.3 (MANE Select); coding-DNA position 108, C replaced by T.
Protein change: p.Ser36=; no amino-acid change (serine 36 retained).
Molecular consequence: synonymous variant.
Genome position (GRCh38, 1-based): chr2:21,043,526, G>A on the plus strand (C>T on the coding strand, the complement: APOB is on the minus strand). VCF-style: chr2-21043526-G-A. GRCh37 (hg19) VCF-style: chr2-21266398-G-A.
Identifiers: ClinVar variation 1529332 (VCV001529332.11), dbSNP rs746086204, ClinGen allele CA045142.
Genomic context (GRCh38, chr2:21,043,526, plus strand): 5'-TGCACGGGGCTGGGCGCCCTTCCACGCCCCATGCGCAGATGCCTTACTTGGACAGACCAG[G>A]CTGACATTTTCCAGCATTTCCTCTTCTGTAAGACAGGAGAAAGAAATCTGTGAGCTTCCC-3'
Protein context (NP_000375.3, residues 26-46): RAEEEMLENV[Ser36=]LVCPKDATRF